The following is an entry in ClinVar:

ClinVar aggregate classification (germline): Pathogenic/Likely pathogenic. Review status: criteria provided, multiple submitters, no conflicts (2 of 4 stars). 2 submissions from 2 submitters: Pathogenic (1); Likely pathogenic (1). Last evaluated 2025-05-12.

Conditions:
Galactosylceramide beta-galactosidase deficiency. Also called: Krabbe Disease; Leukodystrophy, Globoid Cell; GALACTOCEREBROSIDASE DEFICIENCY; GALC DEFICIENCY; GLOBOID CELL LEUKOENCEPHALOPATHY. Identifiers: Orphanet 487, MedGen C0023521, MONDO:0009499, OMIM 245200.

Submissions (2):

Women's Health and Genetics/Laboratory Corporation of America, LabCorp
Classification: Likely pathogenic for Galactosylceramide beta-galactosidase deficiency. Last evaluated: 2025-05-12. Review status: criteria provided, single submitter. Criteria: LabCorp Variant Classification Summary - May 2015. Collection method: clinical testing. Allele origin: germline.
Comment: Variant summary: GALC c.821A>C (p.Glu274Ala; aka E258A) results in a non-conservative amino acid change located in the catalytic domain (IPR049161), affecting an amino acid that contributes to the active site (UniProt and PMIDs 21876145, 21896758) of the encoded protein sequence. Algorithms developed to predict the effect of missense changes on protein structure and function all suggest that this variant is likely to be disruptive. The variant was absent in 249264 control chromosomes (gnomAD). c.821A>C has been observed in individual(s) affected with Krabbe Disease (Labcorp (formerly Invitae)). To our knowledge, no experimental evidence demonstrating an impact on protein function has been reported. However, a different missense affecting the same amino acid (E274Q) has been reported in patient(s) with significantly reduced GALC enzyme activity, and been also demonstrated to affect GALC activity in an in vitro assay (e.g. PMID: 27638593, 35286032). ClinVar contains an entry for this variant (Variation ID: 1058786). Based on the evidence outlined above, the variant was classified as likely pathogenic.

Labcorp Genetics (formerly Invitae), Labcorp
Classification: Pathogenic for Galactosylceramide beta-galactosidase deficiency. Last evaluated: 2023-09-08. Review status: criteria provided, single submitter. Criteria: Invitae Variant Classification Sherloc (09022015). Collection method: clinical testing. Allele origin: germline.
Comment: For these reasons, this variant has been classified as Pathogenic. Advanced modeling of protein sequence and biophysical properties (such as structural, functional, and spatial information, amino acid conservation, physicochemical variation, residue mobility, and thermodynamic stability) performed at Invitae indicates that this missense variant is expected to disrupt GALC protein function. ClinVar contains an entry for this variant (Variation ID: 1058786). This missense change has been observed in individual(s) with Krabbe disease (Invitae). In at least one individual the data is consistent with being in trans (on the opposite chromosome) from a pathogenic variant. This variant is not present in population databases (gnomAD no frequency). This sequence change replaces glutamic acid, which is acidic and polar, with alanine, which is neutral and non-polar, at codon 274 of the GALC protein (p.Glu274Ala).

NM_000153.4(GALC):c.821A>C (p.Glu274Ala)

Gene: GALC (galactosylceramidase; minus strand). Cytogenetic location: 14q31.3.
Variant type: single nucleotide variant.
Coding change: c.821A>C on transcript NM_000153.4 (MANE Select); coding-DNA position 821, A replaced by C.
Protein change: p.Glu274Ala; replaces glutamic acid 274 with alanine.
Molecular consequence: missense variant.
Genome position (GRCh38, 1-based): chr14:87,968,422, T>G on the plus strand (A>C on the coding strand, the complement: GALC is on the minus strand). VCF-style: chr14-87968422-T-G. GRCh37 (hg19) VCF-style: chr14-88434766-T-G.
Other names: c.752A>C, p.Glu251Ala (NM_001201401.2); c.743A>C, p.Glu248Ala (NM_001201402.2); short protein forms E248A, E251A, E274A.
Identifiers: ClinVar variation 1058786 (VCV001058786.10), dbSNP rs2140001660, ClinGen allele CA390748003.
Genomic context (GRCh38, chr14:87,968,422, plus strand): 5'-TGATTTAAAATGCGACCCCAGCAGCCTGCACCCATGTCACTATTTAAAGTGCTAAAGTCT[T>G]CAGAAGACCAAAGCTTCTTCCCAGTCAACTTTGCATCTTTTGCTGAATGGGTTCCAGGAT-3'
Protein context (NP_000144.2, residues 264-284): KLTGKKLWSS[Glu274Ala]DFSTLNSDMG